The following is an entry in ClinVar:

NM_001159699.2(FHL1):c.737-8C>T

Gene: FHL1 (four and a half LIM domains 1; plus strand). Cytogenetic location: Xq26.3.
Variant type: single nucleotide variant.
Coding change: c.737-8C>T on transcript NM_001159699.2 (MANE Select); 8 bases into the intron before coding-DNA position 737, C replaced by T.
Molecular consequence: intron variant.
Genome position (GRCh38, 1-based): chrX:136,209,863, C>T. VCF-style: chrX-136209863-C-T. GRCh37 (hg19) VCF-style: chrX-135292022-C-T.
Other names: p.?; c.889-8C>T (NM_001159702.3, NM_001369326.1, NM_001369327.2 and 1 more transcripts); c.689-8C>T (NM_001449.5, NM_001369329.1, NM_001369330.1 and 4 more transcripts); c.502-8C>T (NM_001159703.2); c.776-8C>T (NM_001159701.2); c.550-8C>T (NM_001330659.2).
Identifiers: ClinVar variation 198466 (VCV000198466.27), dbSNP rs2076705, ClinGen allele CA203464.

ClinVar aggregate classification (germline): Benign. Review status: criteria provided, multiple submitters, no conflicts (2 of 4 stars). 19 submissions from 15 submitters: Benign (15). 4 of the submissions do not count toward it. Last evaluated 2026-02-04.

Conditions:
Uruguay Faciocardiomusculoskeletal syndrome. Identifiers: MedGen C1846010, MONDO:0010292, OMIM 300280.
Myopathy, reducing body, X-linked, early-onset, severe (RBMX1A). Also called: REDUCING BODY MYOPATHY, X-LINKED 1, SEVERE, WITH INFANTILE OR EARLY CHILDHOOD ONSET. Identifiers: Orphanet 97239, MedGen C4225423, MONDO:0010414, OMIM 300717.
X-linked myopathy with postural muscle atrophy. Also called: FHL1-Related Emery-Dreifuss Muscular Dystrophy, X-Linked. Identifiers: Orphanet 178461, MedGen C2678055, MONDO:0010401, OMIM 300696.
Myopathy, reducing body, X-linked, childhood-onset (RBMX1B). Also called: REDUCING BODY MYOPATHY, X-LINKED 1B, WITH LATE CHILDHOOD OR ADULT ONSET. Identifiers: Orphanet 97239, MedGen C4225159, MONDO:0010415, OMIM 300718.
X-linked scapuloperoneal muscular dystrophy. Also called: SCAPULOPERONEAL MYOPATHY, FHL1-RELATED. Identifiers: Orphanet 431272, MedGen C2678061, MONDO:0010400, OMIM 300695.

Allele frequency attached by ClinVar (database versions not stated): ESP Exome Variant Server 0.38483; TOPMed 0.49156; ExAC 0.49448; gnomAD exomes 0.51692; 1000 Genomes Project 0.51974; gnomAD 0.53498.

Submissions (19):

Labcorp Genetics (formerly Invitae), Labcorp
Classification: Benign for X-linked myopathy with postural muscle atrophy. Last evaluated: 2026-02-04. Review status: criteria provided, single submitter. Criteria: Invitae Variant Classification Sherloc (09022015). Collection method: clinical testing. Allele origin: germline.

Molecular Diagnostic Laboratory for Inherited Cardiovascular Disease, Montreal Heart Institute
Classification: Benign. Last evaluated: 2025-04-09. Review status: criteria provided, single submitter. Criteria: ACMG Guidelines, 2015. Collection method: clinical testing. Allele origin: germline. Affected: no.

Blueprint Genetics
Classification: Benign. Last evaluated: 2024-11-28. Review status: criteria provided, single submitter. Criteria: ACMG Guidelines, 2015. Collection method: clinical testing. Allele origin: germline.

Mayo Clinic Laboratories, Mayo Clinic
Classification: Benign. Last evaluated: 2022-04-26. Review status: criteria provided, single submitter. Criteria: ACMG Guidelines, 2015. Collection method: clinical testing. Allele origin: germline. Observed: 1,075 variant alleles.

Genome-Nilou Lab
Classification: Benign for Uruguay Faciocardiomusculoskeletal syndrome. Last evaluated: 2021-08-10. Review status: criteria provided, single submitter. Criteria: ACMG Guidelines, 2015. Collection method: clinical testing. Allele origin: germline. Affected: no.

Genome-Nilou Lab
Classification: Benign for X-linked myopathy with postural muscle atrophy. Last evaluated: 2021-08-10. Review status: criteria provided, single submitter. Criteria: ACMG Guidelines, 2015. Collection method: clinical testing. Allele origin: germline. Affected: no.

Genome-Nilou Lab
Classification: Benign for Myopathy, reducing body, X-linked, early-onset, severe. Last evaluated: 2021-08-10. Review status: criteria provided, single submitter. Criteria: ACMG Guidelines, 2015. Collection method: clinical testing. Allele origin: germline. Affected: no.

Genome-Nilou Lab
Classification: Benign for Myopathy, reducing body, X-linked, childhood-onset. Last evaluated: 2021-08-10. Review status: criteria provided, single submitter. Criteria: ACMG Guidelines, 2015. Collection method: clinical testing. Allele origin: germline. Affected: no.

Genome-Nilou Lab
Classification: Benign for X-linked scapuloperoneal muscular dystrophy. Last evaluated: 2021-08-10. Review status: criteria provided, single submitter. Criteria: ACMG Guidelines, 2015. Collection method: clinical testing. Allele origin: germline. Affected: no.

Athena Diagnostics
Classification: Benign. Last evaluated: 2021-05-03. Review status: criteria provided, single submitter. Criteria: Athena Diagnostics Criteria. Collection method: clinical testing. Allele origin: unknown.

Women's Health and Genetics/Laboratory Corporation of America, LabCorp
Classification: Benign. Last evaluated: 2021-04-29. Review status: criteria provided, single submitter. Criteria: LabCorp Variant Classification Summary - May 2015. Collection method: clinical testing. Allele origin: germline.

GeneDx
Classification: Benign. Last evaluated: 2016-01-05. Review status: criteria provided, single submitter. Criteria: GeneDx Variant Classification (06012015). Collection method: clinical testing. Allele origin: germline. Affected: yes.
Comment: This variant is considered likely benign or benign based on one or more of the following criteria: it is a conservative change, it occurs at a poorly conserved position in the protein, it is predicted to be benign by multiple in silico algorithms, and/or has population frequency not consistent with disease.

Eurofins Ntd Llc (ga)
Classification: Benign. Last evaluated: 2015-06-22. Review status: criteria provided, single submitter. Criteria: EGL Classification Definitions 2015. Collection method: clinical testing. Allele origin: germline. Observed: 74 variant alleles, 42 heterozygotes, 10 homozygotes, 22 hemizygotes.

Breakthrough Genomics
Classification: Benign. Review status: criteria provided, single submitter. Criteria: ACMG Guidelines, 2015. Collection method: not provided. Allele origin: germline. Inheritance: X-linked inheritance. Affected: yes.

PreventionGenetics, part of Exact Sciences
Classification: Benign. Review status: criteria provided, single submitter. Criteria: ACMG Guidelines, 2015. Collection method: clinical testing. Allele origin: germline.

Clinical Genetics DNA and cytogenetics Diagnostics Lab, Erasmus MC, Erasmus Medical Center
Classification: Benign. Review status: no assertion criteria provided. Collection method: clinical testing. Allele origin: germline. Affected: yes. Study: VKGL Data-share Consensus. Not counted in ClinVar's aggregate classification.

Clinical Genetics, Academic Medical Center
Classification: Benign. Review status: no assertion criteria provided. Collection method: clinical testing. Allele origin: germline. Affected: yes. Study: VKGL Data-share Consensus. Not counted in ClinVar's aggregate classification.

Diagnostic Laboratory, Department of Genetics, University Medical Center Groningen
Classification: Benign. Review status: no assertion criteria provided. Collection method: clinical testing. Allele origin: germline. Affected: yes. Study: VKGL Data-share Consensus. Not counted in ClinVar's aggregate classification.

Genome Diagnostics Laboratory, University Medical Center Utrecht
Classification: Benign. Review status: no assertion criteria provided. Collection method: clinical testing. Allele origin: germline. Affected: yes. Study: VKGL Data-share Consensus. Not counted in ClinVar's aggregate classification.